The following is an entry in ClinVar:

NM_000481.4(AMT):c.1040T>C (p.Val347Ala)

Gene: AMT (aminomethyltransferase; minus strand). Cytogenetic location: 3p21.31.
Variant type: single nucleotide variant.
Coding change: c.1040T>C on transcript NM_000481.4 (MANE Select); coding-DNA position 1040, T replaced by C.
Protein change: p.Val347Ala; replaces valine 347 with alanine.
Molecular consequence: missense variant. On other transcripts: non-coding transcript variant (1).
Genome position (GRCh38, 1-based): chr3:49,417,712, A>G on the plus strand (T>C on the coding strand, the complement: AMT is on the minus strand). VCF-style: chr3-49417712-A-G. GRCh37 (hg19) VCF-style: chr3-49455145-A-G.
Other names: c.908T>C, p.Val303Ala (NM_001164710.2); c.872T>C, p.Val291Ala (NM_001164711.2); c.1040T>C, p.Val347Ala (NM_001164712.2); short protein forms V303A, V347A, V291A.
Identifiers: ClinVar variation 2859684 (VCV002859684.3), dbSNP rs1457200551, ClinGen allele CA352789201.

ClinVar aggregate classification (germline): Uncertain significance (1 of 4 stars; one submission).

Conditions:
Glycine encephalopathy. Also called: Nonketotic hyperglycinemia; Non-ketotic hyperglycinemia. Identifiers: Orphanet 407, MedGen C0751748, MONDO:0011612, HP:0008288.

Allele frequency attached by ClinVar (database versions not stated): gnomAD exomes below 0.00001.
gnomAD v4.1: 1 of 1,613,928 alleles (0.000062%); highest among the groups gnomAD compares: Non-Finnish European, 0.000085%; no homozygotes.

Submission:

Labcorp Genetics (formerly Invitae), Labcorp
Classification: Uncertain significance for Glycine encephalopathy. Last evaluated: 2023-04-26. Review status: criteria provided, single submitter. Criteria: Invitae Variant Classification Sherloc (09022015). Collection method: clinical testing. Allele origin: germline.
Comment: In summary, the available evidence is currently insufficient to determine the role of this variant in disease. Therefore, it has been classified as a Variant of Uncertain Significance. Advanced modeling of protein sequence and biophysical properties (such as structural, functional, and spatial information, amino acid conservation, physicochemical variation, residue mobility, and thermodynamic stability) has been performed at Invitae for this missense variant, however the output from this modeling did not meet the statistical confidence thresholds required to predict the impact of this variant on AMT protein function. This variant has not been reported in the literature in individuals affected with AMT-related conditions. This variant is present in population databases (no rsID available, gnomAD 0.0009%). This sequence change replaces valine, which is neutral and non-polar, with alanine, which is neutral and non-polar, at codon 347 of the AMT protein (p.Val347Ala).